The following is an entry in ClinVar:

NM_001999.4(FBN2):c.4466G>A (p.Cys1489Tyr)

Gene: FBN2 (fibrillin 2; minus strand). Cytogenetic location: 5q23.3.
Variant type: single nucleotide variant.
Coding change: c.4466G>A on transcript NM_001999.4 (MANE Select); coding-DNA position 4466, G replaced by A.
Protein change: p.Cys1489Tyr; replaces cysteine 1489 with tyrosine.
Molecular consequence: missense variant.
Genome position (GRCh38, 1-based): chr5:128,328,701, C>T on the plus strand (G>A on the coding strand, the complement: FBN2 is on the minus strand). VCF-style: chr5-128328701-C-T. GRCh37 (hg19) VCF-style: chr5-127664393-C-T.
Other names: short protein forms C1489Y.
Identifiers: ClinVar variation 2176896 (VCV002176896.4), dbSNP rs374977692, ClinGen allele CA3394961.
Genomic context (GRCh38, chr5:128,328,701, plus strand): 5'-TTCATTTACTGTGGTTGATCCAACTTGAAAATGAGTTGGAATCCTGGTGACCCACCTTGG[C>T]AGGATCTGCTGTCTGAGGCTGGAGTGAAGCCCATCTCACACTCGCAGCGATATGCACCCG-3'
Protein context (NP_001990.2, residues 1479-1499): GFTPASDSRS[Cys1489Tyr]QDIDECSFQN

ClinVar aggregate classification (germline): Pathogenic (1 of 4 stars; one submission).

Conditions:
Congenital contractural arachnodactyly (CCA). Also called: BEALS SYNDROME; Beals-Hecht syndrome; Arthrogryposis, distal, type 9. Identifiers: Orphanet 115, MedGen C0220668, MONDO:0007363, OMIM 121050.

Allele frequency attached by ClinVar (database versions not stated): ExAC 0.00001; ESP Exome Variant Server 0.00008.

Submission:

Labcorp Genetics (formerly Invitae), Labcorp
Classification: Pathogenic for Congenital contractural arachnodactyly. Last evaluated: 2024-07-10. Review status: criteria provided, single submitter. Criteria: Invitae Variant Classification Sherloc (09022015). Collection method: clinical testing. Allele origin: germline.
Comment: This sequence change replaces cysteine, which is neutral and slightly polar, with tyrosine, which is neutral and polar, at codon 1489 of the FBN2 protein (p.Cys1489Tyr). This variant is present in population databases (rs374977692, gnomAD 0.0009%). This missense change has been observed in individuals with FBN2-related conditions (Invitae). ClinVar contains an entry for this variant (Variation ID: 2176896). Advanced modeling of protein sequence and biophysical properties (such as structural, functional, and spatial information, amino acid conservation, physicochemical variation, residue mobility, and thermodynamic stability) performed at Invitae indicates that this missense variant is expected to disrupt FBN2 protein function with a positive predictive value of 80%. This variant affects a cysteine residue located within an epidermal growth factor (EGF)–like domain of the FBN2 protein. Cysteine residues in these domains are involved in the formation of disulfide bridges critical for protein structure and stability (PMID: 3495735, 4750422, 16677079). In addition, missense substitutions within the FBN2 EGF-like domains affecting cysteine residues are overrepresented in patients with congenital contractural arachnodactyly (PMID: 18767143). For these reasons, this variant has been classified as Pathogenic.

Literature cited by the submitters: PubMed 3495735; PubMed 4750422; PubMed 16677079; PubMed 18767143.